The following is an entry in ClinVar:

NM_001356.5(DDX3X):c.727del (p.Tyr243fs)

Gene: DDX3X (DEAD-box helicase 3 X-linked; plus strand). Cytogenetic location: Xp11.4.
Variant type: Deletion.
Coding change: c.727del on transcript NM_001356.5 (MANE Select); coding-DNA position 727, one base deleted (T; older notation c.727delT).
Protein change: p.Tyr243fs; shifts the reading frame from tyrosine 243.
Molecular consequence: frameshift variant. On other transcripts: non-coding transcript variant (1).
Genome position (GRCh38, 1-based): chrX:41,343,784, T deleted; the last of 3 consecutive T bases (chrX:41,343,782-41,343,784); deleting any one gives the same sequence. VCF-style (leftmost placement, unchanged base first): chrX-41343781-AT-A. GRCh37 (hg19) VCF-style: chrX-41203034-AT-A.
Other names: c.727del, p.Tyr243fs (NM_001193416.3); c.679del, p.Tyr227fs (NM_001193417.3); c.169del, p.Tyr57fs (NM_001363819.1); short protein forms Y243fs, Y57fs, Y227fs.
Identifiers: ClinVar variation 2758994 (VCV002758994.3), dbSNP rs2519513269, ClinGen allele CA2697553024.

ClinVar aggregate classification (germline): Pathogenic (1 of 4 stars; one submission).

Submission:

Labcorp Genetics (formerly Invitae), Labcorp
Classification: Pathogenic. Last evaluated: 2023-09-08. Review status: criteria provided, single submitter. Criteria: Invitae Variant Classification Sherloc (09022015). Collection method: clinical testing. Allele origin: germline.
Comment: For these reasons, this variant has been classified as Pathogenic. This variant has not been reported in the literature in individuals affected with DDX3X-related conditions. This variant is not present in population databases (gnomAD no frequency). This sequence change creates a premature translational stop signal (p.Tyr243Ilefs*9) in the DDX3X gene. It is expected to result in an absent or disrupted protein product. Loss-of-function variants in DDX3X are known to be pathogenic (PMID: 26235985).

Literature cited by the submitters: PubMed 26235985.